The following is an entry in ClinVar:

NM_005908.4(MANBA):c.53C>T (p.Ala18Val)

Genes: MANBA (mannosidase beta; minus strand), LOC129992886 (ATAC-STARR-seq lymphoblastoid active region 21757; plus strand). Cytogenetic location: 4q24.
Variant type: single nucleotide variant.
Coding change: c.53C>T on transcript NM_005908.4 (MANE Select); coding-DNA position 53, C replaced by T.
Protein change: p.Ala18Val; replaces alanine 18 with valine.
Molecular consequence: missense variant.
Genome position (GRCh38, 1-based): chr4:102,760,842, G>A on the plus strand (C>T on the coding strand, the complement: MANBA is on the minus strand). VCF-style: chr4-102760842-G-A. GRCh37 (hg19) VCF-style: chr4-103681999-G-A.
Other names: short protein forms A18V.
Identifiers: ClinVar variation 1309607 (VCV001309607.2), dbSNP rs2110217670, ClinGen allele CA357961626.
Genomic context (GRCh38, chr4:102,760,842, plus strand): 5'-AGCGAGCCGTTCCCATTGCAGATGCTCCAGTTGCCACGCAAGCTGTAACTGAGCTCCGCG[G>A]CGGTGGTGCCTGCACCGCACAGCGCGAGCAGCAGGAGCAGGTGGAGGCGCATCTTGAGAT-3'
Protein context (NP_005899.3, residues 8-28): LLALCGAGTT[Ala18Val]AELSYSLRGN

ClinVar aggregate classification (germline): Uncertain significance (1 of 4 stars; one submission).

Submission:

GeneDx
Classification: Uncertain significance. Last evaluated: 2019-10-22. Review status: criteria provided, single submitter. Criteria: GeneDx Variant Classification Process June 2021. Collection method: clinical testing. Allele origin: germline. Affected: yes.
Comment: Not observed in large population cohorts (Lek et al., 2016); In silico analysis, which includes protein predictors and evolutionary conservation, supports that this variant does not alter protein structure/function; Has not been previously published as pathogenic or benign to our knowledge